The following is an entry in ClinVar:

ClinVar aggregate classification (germline): Uncertain significance (1 of 4 stars; one submission).

Conditions:
Hypertrophic cardiomyopathy. Also called: HYPERTROPHIC MYOCARDIOPATHY. Identifiers: Orphanet 217569, MedGen C0007194, MeSH D002312, MONDO:0005045, HP:0001639.

Allele frequency attached by ClinVar (database versions not stated): gnomAD exomes below 0.00001 and 0.00001; TOPMed 0.00001.
gnomAD v4.1: 7 of 1,613,848 alleles (0.00043%); highest among the groups gnomAD compares: Admixed American, 0.0067%; no homozygotes.

Submission:

Labcorp Genetics (formerly Invitae), Labcorp
Classification: Uncertain significance for Hypertrophic cardiomyopathy. Last evaluated: 2025-05-18. Review status: criteria provided, single submitter. Criteria: Invitae Variant Classification Sherloc (09022015). Collection method: clinical testing. Allele origin: germline.
Comment: This sequence change creates a premature translational stop signal (p.Trp443*) in the MYOM1 gene. It is expected to result in an absent or disrupted protein product. However, the current clinical and genetic evidence is not sufficient to establish whether loss-of-function variants in MYOM1 cause disease. This variant is present in population databases (no rsID available, gnomAD 0.006%). This variant has not been reported in the literature in individuals affected with MYOM1-related conditions. ClinVar contains an entry for this variant (Variation ID: 659227). In summary, the available evidence is currently insufficient to determine the role of this variant in disease. Therefore, it has been classified as a Variant of Uncertain Significance.

NM_003803.4(MYOM1):c.1329G>A (p.Trp443Ter)

Gene: MYOM1 (myomesin 1; minus strand). Cytogenetic location: 18p11.31.
Variant type: single nucleotide variant.
Coding change: c.1329G>A on transcript NM_003803.4 (MANE Select); coding-DNA position 1329, G replaced by A.
Protein change: p.Trp443Ter; replaces tryptophan 443 with a stop codon.
Molecular consequence: nonsense.
Genome position (GRCh38, 1-based): chr18:3,168,827, C>T on the plus strand (G>A on the coding strand, the complement: MYOM1 is on the minus strand). VCF-style: chr18-3168827-C-T. GRCh37 (hg19) VCF-style: chr18-3168825-C-T.
Other names: c.1329G>A, p.Trp443Ter (NM_019856.2); short protein forms W443*.
Identifiers: ClinVar variation 659227 (VCV000659227.6), dbSNP rs1482296191, ClinGen allele CA401715120.